The following is an entry in ClinVar:

NM_006445.4(PRPF8):c.1327G>A (p.Val443Met)

Gene: PRPF8 (pre-mRNA processing factor 8; minus strand). Cytogenetic location: 17p13.3.
Variant type: single nucleotide variant.
Coding change: c.1327G>A on transcript NM_006445.4 (MANE Select); coding-DNA position 1327, G replaced by A.
Protein change: p.Val443Met; replaces valine 443 with methionine.
Molecular consequence: missense variant.
Genome position (GRCh38, 1-based): chr17:1,679,373, C>T on the plus strand (G>A on the coding strand, the complement: PRPF8 is on the minus strand). VCF-style: chr17-1679373-C-T. GRCh37 (hg19) VCF-style: chr17-1582667-C-T.
Other names: short protein forms V443M.
Identifiers: ClinVar variation 857981 (VCV000857981.9), dbSNP rs1912780438, ClinGen allele CA397562397.

ClinVar aggregate classification (germline): Uncertain significance (1 of 4 stars; one submission).

Submission:

Labcorp Genetics (formerly Invitae), Labcorp
Classification: Uncertain significance. Last evaluated: 2019-12-17. Review status: criteria provided, single submitter. Criteria: Invitae Variant Classification Sherloc (09022015). Collection method: clinical testing. Allele origin: germline.
Comment: This variant has not been reported in the literature in individuals with PRPF8-related conditions. This variant is not present in population databases (ExAC no frequency). This sequence change replaces valine with methionine at codon 443 of the PRPF8 protein (p.Val443Met). The valine residue is highly conserved and there is a small physicochemical difference between valine and methionine. Algorithms developed to predict the effect of missense changes on protein structure and function are either unavailable or do not agree on the potential impact of this missense change (SIFT: "Deleterious"; PolyPhen-2: "Probably Damaging"; Align-GVGD: "Class C0"). In summary, the available evidence is currently insufficient to determine the role of this variant in disease. Therefore, it has been classified as a Variant of Uncertain Significance.